The following is an entry in ClinVar:

ClinVar aggregate classification (germline): Uncertain significance. Review status: criteria provided, multiple submitters, no conflicts (2 of 4 stars). 4 submissions from 4 submitters: Uncertain significance (4). Last evaluated 2026-08-01.

Conditions:
Inborn genetic diseases. Identifiers: MedGen C0950123, MeSH D030342.
Elliptocytosis 1 (EL1). Also called: PROTEIN 4.1 OF ERYTHROCYTE MEMBRANE, DEFECT OF; 4.1- TRAIT; 4.1-MINUS TRAIT; ELLIPTOCYTOSIS, RHESUS-LINKED TYPE. Identifiers: Orphanet 288, MedGen C2678497, MONDO:0012731, OMIM 611804.

Allele frequency attached by ClinVar (database versions not stated): gnomAD 0.00009 and 0.00010; TOPMed 0.00011; gnomAD exomes 0.00015 and 0.00019; ExAC 0.00024; ESP Exome Variant Server 0.00054.
gnomAD v4.1: 290 of 1,613,946 alleles (0.018%); highest among the groups gnomAD compares: Non-Finnish European, 0.024%; no homozygotes.

Submissions (4):

CeGaT Center for Human Genetics Tuebingen
Classification: Uncertain significance. Last evaluated: 2026-08-01. Review status: criteria provided, single submitter. Criteria: CeGaT Center For Human Genetics Tuebingen Variant Classification Criteria Version 2. Collection method: clinical testing. Allele origin: germline. Affected: yes. Observed: 1 variant allele.
Comment: EPB41: PM2, PP3

Ambry Genetics
Classification: Uncertain significance for Inborn genetic diseases. Last evaluated: 2024-09-10. Review status: criteria provided, single submitter. Criteria: Ambry Variant Classification Scheme 2023. Collection method: clinical testing. Allele origin: germline.

Revvity Omics, Revvity
Classification: Uncertain significance for Elliptocytosis 1. Last evaluated: 2024-07-28. Review status: criteria provided, single submitter. Criteria: ACMG Guidelines, 2015. Collection method: clinical testing. Allele origin: germline.

ARUP Laboratories, Molecular Genetics and Genomics, ARUP Laboratories
Classification: Uncertain significance for Elliptocytosis 1. Last evaluated: 2019-06-10. Review status: criteria provided, single submitter. Criteria: ARUP Molecular Germline Variant Investigation Process. Collection method: clinical testing. Allele origin: germline.

NM_001376013.1(EPB41):c.1187A>G (p.Tyr396Cys)

Gene: EPB41 (erythrocyte membrane protein band 4.1; plus strand). Cytogenetic location: 1p35.3.
Variant type: single nucleotide variant.
Coding change: c.1187A>G on transcript NM_001376013.1 (MANE Select); coding-DNA position 1187, A replaced by G.
Protein change: p.Tyr396Cys; replaces tyrosine 396 with cysteine.
Molecular consequence: missense variant.
Genome position (GRCh38, 1-based): chr1:29,030,462, A>G. VCF-style: chr1-29030462-A-G. GRCh37 (hg19) VCF-style: chr1-29356974-A-G.
Other names: c.560A>G (NM_004437.3); c.1187A>G, p.Tyr396Cys (NM_001166005.2, NM_001166006.2, NM_001376014.1 and 7 more transcripts); c.560A>G, p.Tyr187Cys (NM_001166007.2, NM_001376022.1, NM_001376023.1 and 7 more transcripts); c.1082A>G, p.Tyr361Cys (NM_203343.3); short protein forms Y187C, Y361C, Y396C.
Identifiers: ClinVar variation 811463 (VCV000811463.13), dbSNP rs201227668, ClinGen allele CA724442.